The following is an entry in ClinVar:

NM_020921.4(NIN):c.2312C>A (p.Thr771Lys)

Gene: NIN (ninein; minus strand). Cytogenetic location: 14q22.1.
Variant type: single nucleotide variant.
Coding change: c.2312C>A on transcript NM_020921.4 (MANE Select); coding-DNA position 2312, C replaced by A.
Protein change: p.Thr771Lys; replaces threonine 771 with lysine.
Molecular consequence: missense variant.
Genome position (GRCh38, 1-based): chr14:50,759,944, G>T on the plus strand (C>A on the coding strand, the complement: NIN is on the minus strand). VCF-style: chr14-50759944-G-T. GRCh37 (hg19) VCF-style: chr14-51226662-G-T.
Other names: c.2312C>A, p.Thr771Lys (NM_016350.5, NM_182944.3, NM_182946.2); c.2312C>A (NM_020921.3); short protein forms T771K.
Identifiers: ClinVar variation 2419238 (VCV002419238.7), dbSNP rs1038281307, ClinGen allele CA260832471.
Genomic context (GRCh38, chr14:50,759,944, plus strand): 5'-TTTTCCAAGAGCTCTTTTCTTAACTCCTCTTTCTCAAGAGTGTGTTTCTCCACCAGGCTT[G>T]TCAGCTGCTCCTGGTGAAACTGCTCTAGTTCCTGAGTCAAGCCTCTCACCTTCTCTTCTG-3'
Protein context (NP_065972.4, residues 761-781): ELEQFHQEQL[Thr771Lys]SLVEKHTLEK

ClinVar aggregate classification (germline): Conflicting classifications of pathogenicity. Review status: criteria provided, conflicting classifications (1 of 4 stars). 2 submissions from 2 submitters: Uncertain significance (1); Likely benign (1). Last evaluated 2025-11-13.

Allele frequency attached by ClinVar (database versions not stated): gnomAD exomes 0.00001; TOPMed 0.00001.
gnomAD v4.1: 5 of 1,614,088 alleles (0.00031%); highest among the groups gnomAD compares: Non-Finnish European, 0.00042%; no homozygotes.

Submissions (2):

Ambry Genetics
Classification: Likely benign. Last evaluated: 2025-11-13. Review status: criteria provided, single submitter. Criteria: Ambry Variant Classification Scheme 2023. Collection method: clinical testing. Allele origin: germline.

Labcorp Genetics (formerly Invitae), Labcorp
Classification: Uncertain significance. Last evaluated: 2024-09-06. Review status: criteria provided, single submitter. Criteria: Invitae Variant Classification Sherloc (09022015). Collection method: clinical testing. Allele origin: germline.
Comment: This sequence change replaces threonine, which is neutral and polar, with lysine, which is basic and polar, at codon 771 of the NIN protein (p.Thr771Lys). This variant is present in population databases (no rsID available, gnomAD 0.002%). This variant has not been reported in the literature in individuals affected with NIN-related conditions. ClinVar contains an entry for this variant (Variation ID: 2419238). An algorithm developed to predict the effect of missense changes on protein structure and function outputs the following: PolyPhen-2: "Benign". The lysine amino acid residue is found in multiple mammalian species, which suggests that this missense change does not adversely affect protein function. In summary, the available evidence is currently insufficient to determine the role of this variant in disease. Therefore, it has been classified as a Variant of Uncertain Significance.